The following is an entry in ClinVar:

ClinVar aggregate classification (germline): Pathogenic (1 of 4 stars; one submission).

Allele frequency attached by ClinVar (database versions not stated): gnomAD exomes below 0.00001.

Submission:

Labcorp Genetics (formerly Invitae), Labcorp
Classification: Pathogenic. Last evaluated: 2023-07-10. Review status: criteria provided, single submitter. Criteria: Invitae Variant Classification Sherloc (09022015). Collection method: clinical testing. Allele origin: germline.
Comment: For these reasons, this variant has been classified as Pathogenic. ClinVar contains an entry for this variant (Variation ID: 861705). This variant has not been reported in the literature in individuals affected with TRMU-related conditions. This variant is not present in population databases (gnomAD no frequency). This sequence change creates a premature translational stop signal (p.Leu24*) in the TRMU gene. It is expected to result in an absent or disrupted protein product. Loss-of-function variants in TRMU are known to be pathogenic (PMID: 19732863, 23625533).

Literature cited by the submitters: PubMed 19732863; PubMed 23625533.

NM_018006.5(TRMU):c.69del (p.Leu23_Leu24insTer)

Gene: TRMU (tRNA mitochondrial 2-thiouridylase; plus strand). Cytogenetic location: 22q13.31.
Variant type: Deletion.
Coding change: c.69del on transcript NM_018006.5 (MANE Select); coding-DNA position 69, one base deleted (G; older notation c.69delG).
Protein change: p.Leu23_Leu24insTer.
Molecular consequence: frameshift variant. On other transcripts: 5 prime UTR variant (3), non-coding transcript variant (2).
Genome position (GRCh38, 1-based): chr22:46,335,833, G deleted. VCF-style (leftmost placement, unchanged base first): chr22-46335832-TG-T. GRCh37 (hg19) VCF-style: chr22-46731729-TG-T.
Other names: c.-167del (NM_001282782.2); c.-186del (NM_001282783.2, NM_001282784.2); c.69del, p.Leu23_Leu24insTer (NM_001282785.2).
Identifiers: ClinVar variation 861705 (VCV000861705.7), dbSNP rs2077957264, ClinGen allele CA916083826.